The following is an entry in ClinVar:

NM_014804.3(KIAA0753):c.1303C>A (p.Gln435Lys)

Gene: KIAA0753 (KIAA0753; minus strand). Cytogenetic location: 17p13.1.
Variant type: single nucleotide variant.
Coding change: c.1303C>A on transcript NM_014804.3 (MANE Select); coding-DNA position 1303, C replaced by A.
Protein change: p.Gln435Lys; replaces glutamine 435 with lysine.
Molecular consequence: missense variant. On other transcripts: non-coding transcript variant (3).
Genome position (GRCh38, 1-based): chr17:6,620,800, G>T on the plus strand (C>A on the coding strand, the complement: KIAA0753 is on the minus strand). VCF-style: chr17-6620800-G-T. GRCh37 (hg19) VCF-style: chr17-6524120-G-T.
Other names: c.406C>A, p.Gln136Lys (NM_001351225.2); c.1303C>A (NM_014804.2); short protein forms Q136K, Q435K.
Identifiers: ClinVar variation 1523249 (VCV001523249.8), dbSNP rs377033831, ClinGen allele CA8330545.
Genomic context (GRCh38, chr17:6,620,800, plus strand): 5'-AATTGTAATGAATAAAATGTCTTACAATAAACACTTTAAGACACATACCGGCAAGAAGCT[G>T]CTTTGCTACAGAAGGTCGACTTGTTTCCTGTGGGAATGTGTCCTTTGCTGTGAGGGGCCT-3'
Protein context (NP_055619.2, residues 425-445): QETSRPSVAK[Gln435Lys]LLADKYQPDT

ClinVar aggregate classification (germline): Conflicting classifications of pathogenicity. Review status: criteria provided, conflicting classifications (1 of 4 stars). 4 submissions from 4 submitters: Uncertain significance (2); Likely benign (2). Last evaluated 2025-04-15.

Conditions:
Inborn genetic diseases. Identifiers: MedGen C0950123, MeSH D030342.

Allele frequency attached by ClinVar (database versions not stated): ExAC 0.00004; ESP Exome Variant Server 0.00008; gnomAD exomes 0.00010 and 0.00018; TOPMed 0.00011; gnomAD 0.00013 and 0.00015.
gnomAD v4.1: 283 of 1,613,954 alleles (0.018%); highest among the groups gnomAD compares: Non-Finnish European, 0.023%; no homozygotes.

Submissions (4):

Women's Health and Genetics/Laboratory Corporation of America, LabCorp
Classification: Uncertain significance. Last evaluated: 2025-04-15. Review status: criteria provided, single submitter. Criteria: LabCorp Variant Classification Summary - May 2015. Collection method: clinical testing. Allele origin: germline.
Comment: Variant summary: KIAA0753 c.1303C>A (p.Gln435Lys) results in a conservative amino acid change in the encoded protein sequence. Five of five in-silico tools predict a benign effect of the variant on protein function. The variant allele was found at a frequency of 0.0001 in 249444 control chromosomes. This frequency is not significantly higher than estimated for a pathogenic variant in KIAA0753 causing Joubert Syndrome 38, allowing no conclusion about variant significance. To our knowledge, no occurrence of c.1303C>A in individuals affected with Joubert Syndrome 38 and no experimental evidence demonstrating its impact on protein function have been reported. ClinVar contains an entry for this variant (Variation ID: 1523249). Based on the evidence outlined above, the variant was classified as uncertain significance.

Labcorp Genetics (formerly Invitae), Labcorp
Classification: Uncertain significance. Last evaluated: 2024-08-11. Review status: criteria provided, single submitter. Criteria: Invitae Variant Classification Sherloc (09022015). Collection method: clinical testing. Allele origin: germline.
Comment: This sequence change replaces glutamine, which is neutral and polar, with lysine, which is basic and polar, at codon 435 of the KIAA0753 protein (p.Gln435Lys). This variant is present in population databases (rs377033831, gnomAD 0.02%). This variant has not been reported in the literature in individuals affected with KIAA0753-related conditions. ClinVar contains an entry for this variant (Variation ID: 1523249). An algorithm developed to predict the effect of missense changes on protein structure and function outputs the following: PolyPhen-2: "Benign". The lysine amino acid residue is found in multiple mammalian species, which suggests that this missense change does not adversely affect protein function. In summary, the available evidence is currently insufficient to determine the role of this variant in disease. Therefore, it has been classified as a Variant of Uncertain Significance.

Blueprint Genetics
Classification: Likely benign. Last evaluated: 2023-12-21. Review status: criteria provided, single submitter. Criteria: ACMG Guidelines, 2015. Collection method: clinical testing. Allele origin: germline.

Ambry Genetics
Classification: Likely benign for Inborn genetic diseases. Last evaluated: 2022-06-28. Review status: criteria provided, single submitter. Criteria: Ambry Variant Classification Scheme 2023. Collection method: clinical testing. Allele origin: germline.